The following is an entry in ClinVar:

ClinVar aggregate classification (germline): Uncertain significance. Review status: criteria provided, multiple submitters, no conflicts (2 of 4 stars). 2 submissions from 2 submitters: Uncertain significance (2). Last evaluated 2025-05-16.

Conditions:
Wilms tumor 1 (WT1). Also called: Wilms tumor, somatic. Identifiers: Orphanet 654, MedGen CN033288, MONDO:0008679, OMIM 194070.
Inborn genetic diseases. Identifiers: MedGen C0950123, MeSH D030342.

Allele frequency attached by ClinVar (database versions not stated): gnomAD exomes 0.00001.
gnomAD v4.1: 3 of 1,611,138 alleles (0.00019%); highest among the groups gnomAD compares: Non-Finnish European, 0.00025%; no homozygotes.

Submissions (2):

Ambry Genetics
Classification: Uncertain significance for Inborn genetic diseases. Last evaluated: 2025-05-16. Review status: criteria provided, single submitter. Criteria: Ambry Variant Classification Scheme 2023. Collection method: clinical testing. Allele origin: germline.
Comment: The p.A149T variant (also known as c.445G>A), located in coding exon 1 of the WT1 gene, results from a G to A substitution at nucleotide position 445. The alanine at codon 149 is replaced by threonine, an amino acid with similar properties. This amino acid position is not well conserved in available vertebrate species. In addition, this alteration is predicted to be tolerated by in silico analysis. Based on the available evidence, the clinical significance of this variant remains unclear.

All of Us Research Program, National Institutes of Health
Classification: Uncertain significance for Wilms tumor 1. Last evaluated: 2023-06-08. Review status: criteria provided, single submitter. Criteria: ACMG Guidelines, 2015. Collection method: clinical testing. Allele origin: germline. Inheritance: Autosomal dominant inheritance. Observed: 1 variant allele, 1 heterozygote.
Comment: This missense variant replaces alanine with threonine at codon 149 of the WT1 protein. Computational prediction suggests that this variant may not impact protein structure and function (internally defined REVEL score threshold <= 0.5, PMID: 27666373). To our knowledge, functional studies have not been reported for this variant. This variant has not been reported in individuals affected with WT1-related disorders in the literature. This variant has not been identified in the general population by the Genome Aggregation Database (gnomAD). The available evidence is insufficient to determine the role of this variant in disease conclusively. Therefore, this variant is classified as a Variant of Uncertain Significance.

This study involves interpretation of variants in research participants for the purpose of population health screening. Participant phenotype was not available at the time of variant classification. Additional details can be found in publication PMID: 35346344, PMCID: PMC8962531

NM_024426.6(WT1):c.460G>A (p.Ala154Thr)

Genes: WT1 (WT1 transcription factor; minus strand), LOC107982234 (WT1/WT1-AS bi-directional promoter region; plus strand). Cytogenetic location: 11p13.
Variant type: single nucleotide variant.
Coding change: c.460G>A on transcript NM_024426.6 (MANE Select); coding-DNA position 460, G replaced by A.
Protein change: p.Ala154Thr; replaces alanine 154 with threonine.
Molecular consequence: missense variant. On other transcripts: non-coding transcript variant (2).
Genome position (GRCh38, 1-based): chr11:32,434,901, C>T on the plus strand (G>A on the coding strand, the complement: WT1 is on the minus strand). VCF-style: chr11-32434901-C-T. GRCh37 (hg19) VCF-style: chr11-32456447-C-T.
Other names: c.460G>A, p.Ala154Thr (NM_000378.6, NM_001407044.1, NM_001407045.1 and 6 more transcripts); c.241G>A, p.Ala81Thr (NM_001429031.1, NM_001429032.1, NM_001429033.1 and 1 more transcripts); c.445G>A, p.Ala149Thr (NM_024425.2); c.445G>A (NM_024426.4); short protein forms A149T, A154T, A81T.
Identifiers: ClinVar variation 3071611 (VCV003071611.2), dbSNP rs2133103164, ClinGen allele CA379965021.